The following is an entry in ClinVar:

NM_004082.5(DCTN1):c.3539G>A (p.Ser1180Asn)

Gene: DCTN1 (dynactin subunit 1; minus strand). Cytogenetic location: 2p13.1.
Variant type: single nucleotide variant.
Coding change: c.3539G>A on transcript NM_004082.5 (MANE Select); coding-DNA position 3539, G replaced by A.
Protein change: p.Ser1180Asn; replaces serine 1180 with asparagine.
Molecular consequence: missense variant. On other transcripts: non-coding transcript variant (1).
Genome position (GRCh38, 1-based): chr2:74,362,720, C>T on the plus strand (G>A on the coding strand, the complement: DCTN1 is on the minus strand). VCF-style: chr2-74362720-C-T. GRCh37 (hg19) VCF-style: chr2-74589847-C-T.
Other names: c.3488G>A, p.Ser1163Asn (NM_001378991.1); c.3470G>A, p.Ser1157Asn (NM_001378992.1); c.3137G>A, p.Ser1046Asn (NM_023019.4); c.3464G>A, p.Ser1155Asn (NM_001135040.3); c.3122G>A, p.Ser1041Asn (NM_001135041.3); c.3413G>A, p.Ser1138Asn (NM_001190836.2); c.3518G>A, p.Ser1173Asn (NM_001190837.2); short protein forms S1046N, S1138N, S1157N, S1155N, S1173N, S1180N, S1041N, S1163N.
Identifiers: ClinVar variation 4794277 (VCV004794277.1).

ClinVar aggregate classification (germline): Uncertain significance (1 of 4 stars; one submission).

Conditions:
Amyotrophic lateral sclerosis type 1 (ALS1). Also called: AMYOTROPHIC LATERAL SCLEROSIS 1, FAMILIAL. Identifiers: Orphanet 803, MedGen C1862939, MONDO:0007103, OMIM 105400.
Neuronopathy, distal hereditary motor, type 7B. Also called: NEURONOPATHY, DISTAL HEREDITARY MOTOR, AUTOSOMAL DOMINANT 14; NEURONOPATHY, DISTAL HEREDITARY MOTOR, HARDING TYPE VIIB; NEUROPATHY, DISTAL HEREDITARY MOTOR, HARDING TYPE VIIB; NEUROPATHY, DISTAL HEREDITARY MOTOR, WITH VOCAL CORD PARALYSIS, HARDING TYPE VIIB; HMN VIIB; LOWER MOTOR NEURON DISEASE, DYNACTIN TYPE. Identifiers: Orphanet 139589, MedGen C1843315, MONDO:0011879, OMIM 607641.
Perry syndrome. Also called: PARKINSONISM WITH ALVEOLAR HYPOVENTILATION AND MENTAL DEPRESSION. Identifiers: Orphanet 178509, MedGen C1868594, MONDO:0008201, OMIM 168605.

gnomAD v4.1: 3 of 1,613,940 alleles (0.00019%); highest among the groups gnomAD compares: Non-Finnish European, 0.00025%; no homozygotes.

Submission:

Labcorp Genetics (formerly Invitae), Labcorp
Classification: Uncertain significance for Amyotrophic lateral sclerosis type 1; Neuronopathy, distal hereditary motor, type 7B; Perry syndrome. Last evaluated: 2025-06-02. Review status: criteria provided, single submitter. Criteria: Invitae Variant Classification Sherloc (09022015). Collection method: clinical testing. Allele origin: germline.
Comment: This sequence change replaces serine, which is neutral and polar, with asparagine, which is neutral and polar, at codon 1180 of the DCTN1 protein (p.Ser1180Asn). This variant is not present in population databases (gnomAD no frequency). This variant has not been reported in the literature in individuals affected with DCTN1-related conditions. Invitae Evidence Modeling of protein sequence and biophysical properties (such as structural, functional, and spatial information, amino acid conservation, physicochemical variation, residue mobility, and thermodynamic stability) indicates that this missense variant is not expected to disrupt DCTN1 protein function with a negative predictive value of 95%. In summary, the available evidence is currently insufficient to determine the role of this variant in disease. Therefore, it has been classified as a Variant of Uncertain Significance.